The following is an entry in ClinVar:

ClinVar aggregate classification (germline): Conflicting classifications of pathogenicity. Review status: criteria provided, conflicting classifications (1 of 4 stars). 4 submissions from 4 submitters: Likely pathogenic (1); Uncertain significance (1). 2 of the submissions do not count toward it. Last evaluated 2025-08-22.

Conditions:
Usher syndrome type 1 (USH1). Also called: RETINITIS PIGMENTOSA AND CONGENITAL DEAFNESS. Identifiers: Orphanet 231169, Orphanet 886, MedGen C1568247, MONDO:0010168, OMIM 276900.
Autosomal recessive nonsyndromic hearing loss 2. Also called: DEAFNESS, AUTOSOMAL RECESSIVE 2; NEUROSENSORY NONSYNDROMIC RECESSIVE DEAFNESS 2. Identifiers: Orphanet 90636, MedGen C1838701, MONDO:0010807, OMIM 600060.
Autosomal dominant nonsyndromic hearing loss 11. Identifiers: Orphanet 90635, MedGen C1832475, MONDO:0011032, OMIM 601317.

Allele frequency attached by ClinVar (database versions not stated): gnomAD exomes 0.00001.
gnomAD v4.1: 3 of 1,554,278 alleles (0.00019%); highest among the groups gnomAD compares: Non-Finnish European, 0.00026%; no homozygotes.

Submissions (4):

MVZ Martinsried, Medicover Genetics
Classification: Uncertain significance for Autosomal dominant nonsyndromic hearing loss 11. Last evaluated: 2025-08-22. Review status: criteria provided, single submitter. Criteria: ClinGen Variant Curation SOP V3.2 + Classification Guidance July2025. Collection method: clinical testing. Allele origin: unknown. Affected: yes. Observed: 1 heterozygote.

Labcorp Genetics (formerly Invitae), Labcorp
Classification: Likely pathogenic. Last evaluated: 2024-02-23. Review status: criteria provided, single submitter. Criteria: Invitae Variant Classification Sherloc (09022015). Collection method: clinical testing. Allele origin: germline.
Comment: This sequence change replaces isoleucine, which is neutral and non-polar, with threonine, which is neutral and polar, at codon 499 of the MYO7A protein (p.Ile499Thr). This variant is not present in population databases (gnomAD no frequency). This missense change has been observed in individual(s) with deafness and/or Usher syndrome (PMID: 34416374; Invitae). ClinVar contains an entry for this variant (Variation ID: 43149). Advanced modeling of protein sequence and biophysical properties (such as structural, functional, and spatial information, amino acid conservation, physicochemical variation, residue mobility, and thermodynamic stability) performed at Invitae indicates that this missense variant is expected to disrupt MYO7A protein function with a positive predictive value of 95%. In summary, the currently available evidence indicates that the variant is pathogenic, but additional data are needed to prove that conclusively. Therefore, this variant has been classified as Likely Pathogenic.

Counsyl
Classification: Uncertain significance for Usher syndrome type 1; Autosomal recessive nonsyndromic hearing loss 2. Last evaluated: 2017-09-05. Review status: flagged submission. Collection method: clinical testing. Allele origin: unknown. Not counted in ClinVar's aggregate classification.
ClinVar note: Reason: Older claim that does not account for recent evidence

Laboratory for Molecular Medicine, Mass General Brigham Personalized Medicine
Classification: Uncertain significance. Last evaluated: 2012-12-20. Review status: flagged submission. Criteria: LMM Criteria. Collection method: clinical testing. Allele origin: germline. Observed: 1 variant allele. Not counted in ClinVar's aggregate classification.
Comment: The Ile499Thr variant in MYO7A has not been reported in the literature nor previ ously identified by our laboratory. Computational analyses (biochemical amino ac id properties, conservation, PolyPhen2, and SIFT) suggest that the Ile499Thr var iant may impact the protein, though this information is not predictive enough to determine pathogenicity.
ClinVar note: Reason: Older claim that does not account for recent evidence

Literature cited by the submitters: PubMed 34416374 (cited by Labcorp Genetics (formerly Invitae), Labcorp).

NM_000260.4(MYO7A):c.1496T>C (p.Ile499Thr)

Gene: MYO7A (myosin VIIA; plus strand). Cytogenetic location: 11q13.5.
Variant type: single nucleotide variant.
Coding change: c.1496T>C on transcript NM_000260.4 (MANE Select); coding-DNA position 1496, T replaced by C.
Protein change: p.Ile499Thr; replaces isoleucine 499 with threonine.
Molecular consequence: missense variant.
Genome position (GRCh38, 1-based): chr11:77,162,272, T>C. VCF-style: chr11-77162272-T-C. GRCh37 (hg19) VCF-style: chr11-76873318-T-C.
Other names: c.1496T>C, p.Ile499Thr (NM_001127180.2); c.1463T>C, p.Ile488Thr (NM_001369365.1); short protein forms I499T, I488T.
Identifiers: ClinVar variation 43149 (VCV000043149.15), dbSNP rs397516286, ClinGen allele CA132210.